The following is an entry in ClinVar:

ClinVar aggregate classification (germline): Uncertain significance (1 of 4 stars; one submission).

Submission:

GeneDx
Classification: Uncertain significance. Last evaluated: 2024-07-09. Review status: criteria provided, single submitter. Criteria: GeneDx Variant Classification Process June 2021. Collection method: clinical testing. Allele origin: germline. Affected: yes.
Comment: Not observed at significant frequency in large population cohorts (gnomAD); Nonsense variant predicted to result in protein truncation or nonsense mediated decay in a gene or region of a gene for which loss of function is not a well-established mechanism of disease; Has not been previously published as pathogenic or benign to our knowledge

NM_001846.4(COL4A2):c.3882T>G (p.Tyr1294Ter)

Genes: COL4A2 (collagen type IV alpha 2 chain; plus strand), COL4A2-AS1 (COL4A2 antisense RNA 1; minus strand). Cytogenetic location: 13q34.
Variant type: single nucleotide variant.
Coding change: c.3882T>G on transcript NM_001846.4 (MANE Select); coding-DNA position 3882, T replaced by G.
Protein change: p.Tyr1294Ter; replaces tyrosine 1294 with a stop codon.
Molecular consequence: nonsense.
Genome position (GRCh38, 1-based): chr13:110,503,125, T>G. VCF-style: chr13-110503125-T-G. GRCh37 (hg19) VCF-style: chr13-111155472-T-G.
Other names: short protein forms Y1294*.
Identifiers: ClinVar variation 3572813 (VCV003572813.1).